The following is an entry in ClinVar:

NM_032776.3(JMJD1C):c.1770_1771delinsAC (p.Asn590_Met591delinsLysLeu)

Gene: JMJD1C (jumonji domain containing 1C; minus strand). Cytogenetic location: 10q21.3.
Variant type: Indel.
Coding change: c.1770_1771delinsAC on transcript NM_032776.3 (MANE Select); coding-DNA positions 1770 to 1771, CA replaced by AC.
Protein change: p.Asn590_Met591delinsLysLeu.
Molecular consequence: missense variant. On other transcripts: non-coding transcript variant (1).
Genome position (GRCh38, 1-based): chr10:63,214,396-63,214,397, TG replaced by GT on the plus strand (CA replaced by AC on the coding strand, the reverse complement: JMJD1C is on the minus strand). VCF-style: chr10-63214396-TG-GT. GRCh37 (hg19) VCF-style: chr10-64974156-TG-GT.
Other names: c.1224_1225delinsAC, p.Asn408_Met409delinsLysLeu (NM_001282948.2, NM_001318154.2); c.906_907delinsAC, p.Asn302_Met303delinsLysLeu (NM_001318153.2); c.1656_1657delinsAC, p.Asn552_Met553delinsLysLeu (NM_001322252.2); c.1113_1114delinsAC, p.Asn371_Met372delinsLysLeu (NM_001322254.2, NM_001322258.2).
Identifiers: ClinVar variation 658054 (VCV000658054.1), dbSNP rs1589167629, ClinGen allele CA915945936.

ClinVar aggregate classification (germline): Uncertain significance (1 of 4 stars; one submission).

Conditions:
Early Myoclonic Encephalopathy. Identifiers: MedGen C0270855.

Submission:

Labcorp Genetics (formerly Invitae), Labcorp
Classification: Uncertain significance for Early myoclonic encephalopathy. Last evaluated: 2018-09-14. Review status: criteria provided, single submitter. Criteria: Invitae Variant Classification Sherloc (09022015). Collection method: clinical testing. Allele origin: germline.
Comment: This variant, c.1770_1771delinsAC, is a complex sequence change that results in the deletion of 2 amino acidsÂ¬â€ and insertion of 2 amino acids at codons 590 and 591Â¬â€ of the JMJD1C proteinÂ¬â€  (p.Asn590_Met591delinsLysLeu), but otherwise preserves the integrity of the reading frame. This variant is not present in population databases (ExAC no frequency). This variant has not been reported in the literature in individuals with JMJD1C-related disease. Experimental studies and prediction algorithms are not available for this variant, and the functional significance of the affected amino acids is currently unknown. In summary, the available evidence is currently insufficient to determine the role of this variant in disease. Therefore, it has been classified as a Variant of Uncertain Significance.